The following is an entry in ClinVar:

NM_016203.4(PRKAG2):c.1366C>G (p.Arg456Gly)

Gene: PRKAG2 (protein kinase AMP-activated non-catalytic subunit gamma 2; minus strand). Cytogenetic location: 7q36.1.
Variant type: single nucleotide variant.
Coding change: c.1366C>G on transcript NM_016203.4 (MANE Select); coding-DNA position 1366, C replaced by G.
Protein change: p.Arg456Gly; replaces arginine 456 with glycine.
Molecular consequence: missense variant.
Genome position (GRCh38, 1-based): chr7:151,565,753, G>C on the plus strand (C>G on the coding strand, the complement: PRKAG2 is on the minus strand). VCF-style: chr7-151565753-G-C. GRCh37 (hg19) VCF-style: chr7-151262839-G-C.
Other names: c.1234C>G, p.Arg412Gly (NM_001040633.2); c.991C>G, p.Arg331Gly (NM_001304527.2); c.643C>G, p.Arg215Gly (NM_001304531.2, NM_024429.2); c.994C>G, p.Arg332Gly (NM_001363698.2); c.1366C>G (NM_016203.3); short protein forms R215G, R456G, R331G, R332G, R412G.
Identifiers: ClinVar variation 920060 (VCV000920060.13), dbSNP rs779098740, ClinGen allele CA054886.
Genomic context (GRCh38, chr7:151,565,753, plus strand): 5'-CTGCCTGTCAGCGCCAAACACACAAACCTGACTCATCCACAACAGGCAGAGCTGATATTC[G>C]TCTTTCCACAAATATGTTCAAGGCTTTGATGATGGGAGTGTCTGGATGTATGAAGGCAAT-3'
Protein context (NP_057287.2, residues 446-466): IKALNIFVER[Arg456Gly]ISALPVVDES

ClinVar aggregate classification (germline): Uncertain significance. Review status: criteria provided, multiple submitters, no conflicts (2 of 4 stars). 5 submissions from 5 submitters: Uncertain significance (5). Last evaluated 2025-08-10.

Conditions:
Cardiovascular phenotype. Identifiers: MedGen CN230736.
Cardiomyopathy (CMYO). Also called: Cardiomyopathies. Identifiers: Orphanet 167848, MedGen C0878544, MONDO:0004994, HP:0001638. Inheritance: Various modes of inheritance.
Hypertrophic cardiomyopathy 6. Identifiers: MedGen C1833236, MONDO:0010946, OMIM 600858.
Lethal congenital glycogen storage disease of heart. Also called: GLYCOGEN STORAGE DISEASE OF HEART; PHOSPHORYLASE KINASE DEFICIENCY OF HEART. Identifiers: Orphanet 439854, MedGen C1849813, MONDO:0009867, OMIM 261740.

Allele frequency attached by ClinVar (database versions not stated): gnomAD exomes below 0.00001; TOPMed below 0.00001; ExAC 0.00001.
gnomAD v4.1: 2 of 1,613,860 alleles (0.00012%); highest among the groups gnomAD compares: East Asian, 0.0045%; no homozygotes.

Submissions (5):

Labcorp Genetics (formerly Invitae), Labcorp
Classification: Uncertain significance for Lethal congenital glycogen storage disease of heart. Last evaluated: 2025-08-10. Review status: criteria provided, single submitter. Criteria: Invitae Variant Classification Sherloc (09022015). Collection method: clinical testing. Allele origin: germline.
Comment: This sequence change replaces arginine, which is basic and polar, with glycine, which is neutral and non-polar, at codon 456 of the PRKAG2 protein (p.Arg456Gly). This variant is present in population databases (rs779098740, gnomAD 0.006%). This variant has not been reported in the literature in individuals affected with PRKAG2-related conditions. ClinVar contains an entry for this variant (Variation ID: 920060). Invitae Evidence Modeling of protein sequence and biophysical properties (such as structural, functional, and spatial information, amino acid conservation, physicochemical variation, residue mobility, and thermodynamic stability) indicates that this missense variant is not expected to disrupt PRKAG2 protein function with a negative predictive value of 95%. In summary, the available evidence is currently insufficient to determine the role of this variant in disease. Therefore, it has been classified as a Variant of Uncertain Significance.

ARUP Laboratories, Molecular Genetics and Genomics, ARUP Laboratories
Classification: Uncertain significance. Last evaluated: 2024-09-16. Review status: criteria provided, single submitter. Criteria: ARUP Molecular Germline Variant Investigation Process 2024. Collection method: clinical testing. Allele origin: germline.
Comment: The PRKAG2 c.1366C>G; p.Arg456Gly variant (rs779098740, ClinVar Variation ID: 920060) is reported in the literature in one individuals from an early onset cardiac conduction system disease cohort (Hayashi 2020). This variant is only observed on one allele in the Genome Aggregation Database (v2.1.1), indicating it is not a common polymorphism. Computational analyses are uncertain whether this variant is neutral or deleterious (REVEL: 0.607). Due to limited information, the clinical significance of this variant is uncertain at this time. References: Hayashi K et al. Impact of functional studies on exome sequence variant interpretation in early-onset cardiac conduction system diseases. Cardiovasc Res. 2020 Nov 1;116(13):2116-2130. PMID: 31977013.

3billion
Classification: Uncertain significance for Hypertrophic cardiomyopathy 6. Last evaluated: 2024-01-10. Review status: criteria provided, single submitter. Criteria: ACMG Guidelines, 2015. Collection method: clinical testing. Allele origin: germline. Affected: yes.
Comment: The variant is observed at an extremely low frequency in the gnomAD v2.1.1 dataset (total allele frequency: <0.001%). Predicted Consequence/Location: Missense changes are a common disease-causing mechanism. In silico tool predictions suggest damaging effect of the variant on gene or gene product [REVEL: 0.61 (>=0.6, sensitivity 0.68 and specificity 0.92); 3Cnet: 0.97 (>=0.6, sensitivity 0.72 and precision 0.9)]. Therefore, this variant is classified as VUS according to the recommendation of ACMG/AMP guideline.

Ambry Genetics
Classification: Uncertain significance for Cardiovascular phenotype. Last evaluated: 2023-11-21. Review status: criteria provided, single submitter. Criteria: Ambry Variant Classification Scheme 2023. Collection method: clinical testing. Allele origin: germline.
Comment: The p.R456G variant (also known as c.1366C>G), located in coding exon 12 of the PRKAG2 gene, results from a C to G substitution at nucleotide position 1366. The arginine at codon 456 is replaced by glycine, an amino acid with dissimilar properties. This alteration has been reported in a cardiac conduction systems disease cohort; however, clinical details were limited (Hayashi K et al. Cardiovasc Res, 2020 Nov;116:2116-2130). This amino acid position is highly conserved in available vertebrate species. In addition, this alteration is predicted to be deleterious by in silico analysis. Since supporting evidence is limited at this time, the clinical significance of this alteration remains unclear.

Color Diagnostics, LLC DBA Color Health
Classification: Uncertain significance for Cardiomyopathy. Last evaluated: 2019-10-08. Review status: criteria provided, single submitter. Criteria: ACMG Guidelines, 2015. Collection method: clinical testing. Allele origin: germline.
Comment: This missense variant replaces arginine with glycine at codon 456 of the PRKAG2 protein. Computational prediction is inconclusive regarding the impact of this variant on protein structure and function (internally defined REVEL score threshold 0.5 < inconclusive < 0.7, PMID: 27666373). Splice site prediction tools suggest that this variant may not impact RNA splicing. To our knowledge, functional studies have not been performed for this variant. This variant has not been reported in individuals affected with cardiovascular disorders in the literature. This variant has been identified in 1/251478 chromosomes in the general population by the Genome Aggregation Database (gnomAD). The available evidence is insufficient to determine the role of this variant in disease conclusively. Therefore, this variant is classified as a Variant of Uncertain Significance.

Literature cited by the submitters: PubMed 31977013 (cited by Ambry Genetics).